The following is an entry in ClinVar:

NM_139076.3(ABRAXAS1):c.1127G>T (p.Ser376Ile)

Gene: ABRAXAS1 (abraxas 1, BRCA1 A complex subunit; minus strand). Cytogenetic location: 4q21.23.
Variant type: single nucleotide variant.
Coding change: c.1127G>T on transcript NM_139076.3 (MANE Select); coding-DNA position 1127, G replaced by T.
Protein change: p.Ser376Ile; replaces serine 376 with isoleucine.
Molecular consequence: missense variant.
Genome position (GRCh38, 1-based): chr4:83,462,572, C>A on the plus strand (G>T on the coding strand, the complement: ABRAXAS1 is on the minus strand). VCF-style: chr4-83462572-C-A. GRCh37 (hg19) VCF-style: chr4-84383725-C-A.
Other names: c.800G>T, p.Ser267Ile (NM_001345962.2); short protein forms S267I, S376I.
Identifiers: ClinVar variation 3799397 (VCV003799397.1).

ClinVar aggregate classification (germline): Uncertain significance (1 of 4 stars; one submission).

Submission:

Ambry Genetics
Classification: Uncertain significance. Last evaluated: 2025-03-02. Review status: criteria provided, single submitter. Criteria: Ambry Variant Classification Scheme 2023. Collection method: clinical testing. Allele origin: germline.
Comment: The p.S376I variant (also known as c.1127G>T), located in coding exon 9 of the FAM175A gene, results from a G to T substitution at nucleotide position 1127. The serine at codon 376 is replaced by isoleucine, an amino acid with dissimilar properties. This amino acid position is conserved. In addition, this alteration is predicted to be tolerated by in silico analysis. Based on the available evidence, the clinical significance of this variant remains unclear.